The following is an entry in ClinVar:

ClinVar aggregate classification (germline): Pathogenic. Review status: criteria provided, multiple submitters, no conflicts (2 of 4 stars). 7 submissions from 7 submitters: Pathogenic (6). 1 of the submissions does not count toward it. Last evaluated 2025-12-29.

Conditions:
DYSF-related disorder. Also called: DYSF-related condition; DYSF-related disorders.
Neuromuscular disease caused by qualitative or quantitative defects of dysferlin. Also called: Qualitative or quantitative defects of dysferlin; Dysferlinopathy. Identifiers: Orphanet 207073, MedGen C2931687, MONDO:0016145.
Autosomal recessive limb-girdle muscular dystrophy type 2B (LGMDR2). Also called: MUSCULAR DYSTROPHY, LIMB-GIRDLE, TYPE 3; Limb-girdle muscular dystrophy, type 2B; Limb-Girdle Muscular Dystrophy Type 2B (LGMD2B); MUSCULAR DYSTROPHY, LIMB-GIRDLE, AUTOSOMAL RECESSIVE 2. Identifiers: Orphanet 268, MedGen C1850889, MONDO:0009676, OMIM 253601.
Miyoshi muscular dystrophy 1 (MMD1). Identifiers: Orphanet 45448, MedGen C4551973, MONDO:0024545, OMIM 254130.

Allele frequency attached by ClinVar (database versions not stated): gnomAD exomes 0.00001 and 0.00002; ExAC 0.00002.
gnomAD v4.1: 6 of 1,613,038 alleles (0.00037%); highest among the groups gnomAD compares: East Asian, 0.013%; no homozygotes.

Submissions (7):

3billion
Classification: Pathogenic for DYSF-related disorder. Last evaluated: 2025-12-29. Review status: criteria provided, single submitter. Criteria: ACMG Guidelines, 2015. Collection method: clinical testing. Allele origin: germline. Affected: yes.
Comment: The variant is observed at an extremely low frequency in the gnomAD v4.1.0 dataset (total allele frequency: <0.001%). Predicted Consequence/Location: Canonical splice site: predicted to alter splicing and result in a loss or disruption of normal protein function. Multiple pathogenic loss-of-function variants are reported downstream of the variant. In silico tools predict the variant to alter splicing and produce an abnormal transcript [SpliceAI: 0.98 (spliceogenicity >=0.2, non-spliceogenicity <0.1)]. The variant has been reported at least twice as pathogenic with clinical assertions and evidence for the classification (ClinVar ID: VCV000094266 /PMID: 12767493 /3billion dataset). Therefore, this variant is classified as Pathogenic according to the recommendation of ACMG/AMP guideline.

Natera, Inc.
Classification: Pathogenic for Limb-girdle muscular dystrophy type 2B. Last evaluated: 2025-07-10. Review status: criteria provided, single submitter. Criteria: Natera Variant Classification Schema (03/2026). Collection method: clinical testing. Allele origin: germline.
Comment: The c.1284+2T>C variant in DYSF is a canonical splice donor site variant predicted to affect pre-mRNA splicing, which may result in an abnormal transcript and altered protein product. This variant is expected to result in nonsense mediated decay, truncation, or a dysfunctional protein product. This variant is rare in the general population with a frequency below the threshold expected for the associated phenotype(s). This variant has been observed in one or more individuals affected with the associated recessive disease, as either homozygous or compound heterozygous with a second variant (PMID: 25868377). Given the available evidence, this variant is classified as Pathogenic.

Baylor Genetics
Classification: Pathogenic for Miyoshi muscular dystrophy 1. Last evaluated: 2024-03-01. Review status: criteria provided, single submitter. Criteria: ACMG Guidelines, 2015. Collection method: clinical testing. Allele origin: unknown.

Labcorp Genetics (formerly Invitae), Labcorp
Classification: Pathogenic for Neuromuscular disease caused by qualitative or quantitative defects of dysferlin. Last evaluated: 2022-12-03. Review status: criteria provided, single submitter. Criteria: Invitae Variant Classification Sherloc (09022015). Collection method: clinical testing. Allele origin: germline.
Comment: Algorithms developed to predict the effect of sequence changes on RNA splicing suggest that this variant may disrupt the consensus splice site. For these reasons, this variant has been classified as Pathogenic. ClinVar contains an entry for this variant (Variation ID: 94266). This sequence change affects a donor splice site in intron 13 of the DYSF gene. It is expected to disrupt RNA splicing. Variants that disrupt the donor or acceptor splice site typically lead to a loss of protein function (PMID: 16199547), and loss-of-function variants in DYSF are known to be pathogenic (PMID: 17698709, 20301480). This variant is present in population databases (rs398123765, gnomAD 0.02%). Disruption of this splice site has been observed in individuals with DYSF-related conditions (PMID: 33215690).

GeneDx
Classification: Pathogenic. Last evaluated: 2017-11-21. Review status: criteria provided, single submitter. Criteria: GeneDx Variant Classification (06012015). Collection method: clinical testing. Allele origin: germline. Affected: yes.
Comment: The c.1284+2 T>C splice site variant in the DYSF gene has been previously reported as a homozygous variant in an individual with Miyoshi myopathy and dysferlin deficiency by immunohistochemistry and Western blot analysis (Tagawa et al., 2003). Due to use of alternative nomenclature, this variant was reported as c.1657+2 T>C (Tagawa et al., 2013). Subsequently, the c.1284+2 T>C variant has been reported as a common pathogenic variant in Korean dyferlinopathy patients (Shin et al., 2015). The c.1284+2 T>C variant is not observed at a significant frequency in large population cohorts (Lek et al., 2016). This pathogenic variant destroys the canonical splice donor site in intron 13, and is expected to cause abnormal gene splicing.

Eurofins Ntd Llc (ga)
Classification: Pathogenic. Last evaluated: 2017-01-08. Review status: criteria provided, single submitter. Criteria: EGL Classification Definitions. Collection method: clinical testing. Allele origin: germline. Observed: 2 variant alleles, 2 heterozygotes.

Department of Rehabilitation Medicine, Incheon St. Mary’s Hospital, College of Medicine, The Catholic University of Korea
Classification: Pathogenic for Autosomal recessive limb-girdle muscular dystrophy type 2B. Last evaluated: 2019-02-11. Review status: no assertion criteria provided. Collection method: research. Allele origin: maternal. Inheritance: Autosomal recessive inheritance. Affected: yes. Observed: 1 compound heterozygote. Not counted in ClinVar's aggregate classification.

Literature cited by the submitters: PubMed 12767493 (cited by 3billion); PubMed 25868377 (cited by Natera, Inc.); PubMed 16199547 (cited by Labcorp Genetics (formerly Invitae), Labcorp); PubMed 17698709 (cited by Labcorp Genetics (formerly Invitae), Labcorp); PubMed 20301480 (cited by Labcorp Genetics (formerly Invitae), Labcorp); PubMed 33215690 (cited by Labcorp Genetics (formerly Invitae), Labcorp).

NM_001130987.2(DYSF):c.1380+2T>C

Gene: DYSF (dysferlin; plus strand). Cytogenetic location: 2p13.2.
Variant type: single nucleotide variant.
Coding change: c.1380+2T>C on transcript NM_001130987.2 (MANE Select); the canonical splice donor site of the intron after coding-DNA position 1380, T replaced by C.
Molecular consequence: splice donor variant.
Genome position (GRCh38, 1-based): chr2:71,528,403, T>C. VCF-style: chr2-71528403-T-C. GRCh37 (hg19) VCF-style: chr2-71755533-T-C.
Other names: c.1377+2T>C (NM_001130979.2, NM_001130981.2, NM_001130980.2); c.1284+2T>C (NM_001130978.2, NM_003494.4, NM_001130977.2 and 1 more transcripts); c.1380+2T>C (NM_001130982.2, NM_001130985.2); c.1287+2T>C (NM_001130983.2, NM_001130455.2, NM_001130984.2 and 1 more transcripts).
Identifiers: ClinVar variation 94266 (VCV000094266.16), dbSNP rs398123765, ClinGen allele CA222122.